The following is an entry in ClinVar:

ClinVar aggregate classification (germline): Uncertain significance (1 of 4 stars; one submission).

Allele frequency attached by ClinVar (database versions not stated): gnomAD exomes 0.00001.

Submission:

Labcorp Genetics (formerly Invitae), Labcorp
Classification: Uncertain significance. Last evaluated: 2025-04-11. Review status: criteria provided, single submitter. Criteria: Invitae Variant Classification Sherloc (09022015). Collection method: clinical testing. Allele origin: germline.
Comment: This sequence change replaces leucine, which is neutral and non-polar, with proline, which is neutral and non-polar, at codon 418 of the TCIRG1 protein (p.Leu418Pro). This variant is not present in population databases (gnomAD no frequency). This variant has not been reported in the literature in individuals affected with TCIRG1-related conditions. ClinVar contains an entry for this variant (Variation ID: 2175443). Invitae Evidence Modeling of protein sequence and biophysical properties (such as structural, functional, and spatial information, amino acid conservation, physicochemical variation, residue mobility, and thermodynamic stability) indicates that this missense variant is expected to disrupt TCIRG1 protein function with a positive predictive value of 80%. In summary, the available evidence is currently insufficient to determine the role of this variant in disease. Therefore, it has been classified as a Variant of Uncertain Significance.

NM_006019.4(TCIRG1):c.1253T>C (p.Leu418Pro)

Gene: TCIRG1 (T cell immune regulator 1, ATPase H+ transporting V0 subunit a3; plus strand). Cytogenetic location: 11q13.2.
Variant type: single nucleotide variant.
Coding change: c.1253T>C on transcript NM_006019.4 (MANE Select); coding-DNA position 1253, T replaced by C.
Protein change: p.Leu418Pro; replaces leucine 418 with proline.
Molecular consequence: missense variant.
Genome position (GRCh38, 1-based): chr11:68,047,520, T>C. VCF-style: chr11-68047520-T-C. GRCh37 (hg19) VCF-style: chr11-67814987-T-C.
Other names: c.359T>C, p.Leu120Pro (NM_001351059.2); c.605T>C, p.Leu202Pro (NM_006053.4); short protein forms L202P, L120P, L418P.
Identifiers: ClinVar variation 2175443 (VCV002175443.4), dbSNP rs2495644742, ClinGen allele CA381582358.